The following is an entry in ClinVar:

NM_000642.3(AGL):c.3314T>C (p.Ile1105Thr)

Gene: AGL (amylo-alpha-1,6-glucosidase and 4-alpha-glucanotransferase; plus strand). Cytogenetic location: 1p21.2.
Variant type: single nucleotide variant.
Coding change: c.3314T>C on transcript NM_000642.3 (MANE Select); coding-DNA position 3314, T replaced by C.
Protein change: p.Ile1105Thr; replaces isoleucine 1105 with threonine.
Molecular consequence: missense variant.
Genome position (GRCh38, 1-based): chr1:99,896,340, T>C. VCF-style: chr1-99896340-T-C. GRCh37 (hg19) VCF-style: chr1-100361896-T-C.
Other names: c.3314T>C, p.Ile1105Thr (NM_000028.3, NM_000643.3, NM_000644.3 and 1 more transcripts); c.3266T>C, p.Ile1089Thr (NM_000646.3); c.3293T>C, p.Ile1098Thr (NM_001425326.1); c.3113T>C, p.Ile1038Thr (NM_001425327.1); c.3110T>C, p.Ile1037Thr (NM_001425328.1); c.2975T>C, p.Ile992Thr (NM_001425329.1); c.2936T>C, p.Ile979Thr (NM_001425332.1); short protein forms I1105T, I1089T, I1037T, I1038T, I1098T, I979T, I992T.
Identifiers: ClinVar variation 1909631 (VCV001909631.2), dbSNP rs1469614748, ClinGen allele CA341328641.

ClinVar aggregate classification (germline): Uncertain significance (1 of 4 stars; one submission).

Conditions:
Glycogen storage disease type III (GSD3). Also called: Cori disease; FORBES DISEASE. Identifiers: Orphanet 366, MedGen C0017922, MONDO:0009291, OMIM 232400.

Allele frequency attached by ClinVar (database versions not stated): gnomAD exomes below 0.00001; gnomAD 0.00001; TOPMed 0.00002.
gnomAD v4.1: 4 of 1,614,024 alleles (0.00025%); highest among the groups gnomAD compares: Admixed American, 0.0033%; no homozygotes.

Submission:

Labcorp Genetics (formerly Invitae), Labcorp
Classification: Uncertain significance for Glycogen storage disease type III. Last evaluated: 2022-01-21. Review status: criteria provided, single submitter. Criteria: Invitae Variant Classification Sherloc (09022015). Collection method: clinical testing. Allele origin: germline.
Comment: This sequence change replaces isoleucine, which is neutral and non-polar, with threonine, which is neutral and polar, at codon 1105 of the AGL protein (p.Ile1105Thr). This variant is present in population databases (no rsID available, gnomAD no frequency). This variant has not been reported in the literature in individuals affected with AGL-related conditions. Algorithms developed to predict the effect of missense changes on protein structure and function are either unavailable or do not agree on the potential impact of this missense change (SIFT: "Tolerated"; PolyPhen-2: "Probably Damaging"; Align-GVGD: "Class C0"). In summary, the available evidence is currently insufficient to determine the role of this variant in disease. Therefore, it has been classified as a Variant of Uncertain Significance.